The following is an entry in ClinVar:

ClinVar aggregate classification (germline): Pathogenic (1 of 4 stars; one submission).

Conditions:
Hereditary pheochromocytoma and paraganglioma. Also called: Hereditary paragangliomas and pheochromocytomas; Hereditary Paraganglioma-Pheochromocytoma Syndromes; Hereditary pheochromocytoma-paraganglioma. Identifiers: Orphanet 29072, MedGen C4274332, MONDO:0017366.

Submission:

Labcorp Genetics (formerly Invitae), Labcorp
Classification: Pathogenic for Hereditary pheochromocytoma and paraganglioma. Last evaluated: 2024-02-17. Review status: criteria provided, single submitter. Criteria: Invitae Variant Classification Sherloc (09022015). Collection method: clinical testing. Allele origin: germline.
Comment: This sequence change creates a premature translational stop signal (p.Thr42Profs*60) in the TMEM127 gene. It is expected to result in an absent or disrupted protein product. Loss-of-function variants in TMEM127 are known to be pathogenic (PMID: 20154675, 21156949). This variant is not present in population databases (gnomAD no frequency). This variant has not been reported in the literature in individuals affected with TMEM127-related conditions. For these reasons, this variant has been classified as Pathogenic.

Literature cited by the submitters: PubMed 20154675; PubMed 21156949.

NM_017849.4(TMEM127):c.124_140del (p.Thr42fs)

Genes: TMEM127 (transmembrane protein 127; minus strand), LOC129934333 (ATAC-STARR-seq lymphoblastoid silent region 11759; plus strand). Cytogenetic location: 2q11.2.
Variant type: Deletion.
Coding change: c.124_140del on transcript NM_017849.4 (MANE Select); coding-DNA positions 124 to 140, 17 bases deleted (ACGGCGCTGTGCACTGC).
Protein change: p.Thr42fs; shifts the reading frame from threonine 42.
Molecular consequence: frameshift variant. On other transcripts: intron variant (1).
Genome position (GRCh38, 1-based): chr2:96,265,242-96,265,258, GCAGTGCACAGCGCCGT deleted on the plus strand (ACGGCGCTGTGCACTGC on the coding strand, the reverse complement: TMEM127 is on the minus strand); deleting any 17 consecutive bases within chr2:96,265,242-96,265,259 gives the same sequence; the c. name uses the placement nearest the transcript's 3' end. VCF-style (leftmost placement, unchanged base first): chr2-96265241-GGCAGTGCACAGCGCCGT-G. GRCh37 (hg19) VCF-style: chr2-96930979-GGCAGTGCACAGCGCCGT-G.
Other names: c.124_140del, p.Thr42fs (NM_001193304.3); c.-9+611_-9+627del (NM_001407283.1); short protein forms T42fs.
Identifiers: ClinVar variation 3623550 (VCV003623550.2).